The following is an entry in ClinVar:

NM_174936.4(PCSK9):c.207+14_207+15delinsAG

Gene: PCSK9 (proprotein convertase subtilisin/kexin type 9; plus strand). Cytogenetic location: 1p32.3.
Variant type: Indel.
Coding change: c.207+14_207+15delinsAG on transcript NM_174936.4 (MANE Select); bases 14 to 15 of the intron after coding-DNA position 207, GA replaced by AG.
Molecular consequence: intron variant.
Genome position (GRCh38, 1-based): chr1:55,040,058-55,040,059, GA replaced by AG. VCF-style: chr1-55040058-GA-AG. GRCh37 (hg19) VCF-style: chr1-55505731-GA-AG.
Other names: c.-514_-513delGAinsAG (NM_001407246.1).
Identifiers: ClinVar variation 2196565 (VCV002196565.2), dbSNP rs2523165981, ClinGen allele CA2580063094.

ClinVar aggregate classification (germline): Uncertain significance (1 of 4 stars; one submission).

Conditions:
Hypercholesterolemia, autosomal dominant, 3 (FHCL3). Also called: Familial Hypercholesterolemia, Autosomal Dominant, 3; PCSK9-Related Familial Hypercholesterolemia, Autosomal Dominant; Familial hypercholesterolemia 3. Identifiers: MedGen C1863551, MONDO:0011369, OMIM 603776.

Submission:

Labcorp Genetics (formerly Invitae), Labcorp
Classification: Uncertain significance for Hypercholesterolemia, autosomal dominant, 3. Last evaluated: 2023-08-10. Review status: criteria provided, single submitter. Criteria: Invitae Variant Classification Sherloc (09022015). Collection method: clinical testing. Allele origin: germline.
Comment: In summary, the available evidence is currently insufficient to determine the role of this variant in disease. Therefore, it has been classified as a Variant of Uncertain Significance. Experimental studies and prediction algorithms are not available or were not evaluated, and the effect of this variant on mRNA splicing is currently unknown. ClinVar contains an entry for this variant (Variation ID: 2196565). This variant has not been reported in the literature in individuals affected with PCSK9-related conditions. Information on the frequency of this variant in the gnomAD database is not available, as this variant may be reported differently in the database. This sequence change falls in intron 1 of the PCSK9 gene. It does not directly change the encoded amino acid sequence of the PCSK9 protein.